The following is an entry in ClinVar:

ClinVar aggregate classification (germline): Uncertain significance. Review status: criteria provided, multiple submitters, no conflicts (2 of 4 stars). 2 submissions from 2 submitters: Uncertain significance (2). Last evaluated 2023-10-23.

Conditions:
Neuromuscular disease caused by qualitative or quantitative defects of dysferlin. Also called: Dysferlinopathy; Qualitative or quantitative defects of dysferlin. Identifiers: Orphanet 207073, MedGen C2931687, MONDO:0016145.

Allele frequency attached by ClinVar (database versions not stated): gnomAD exomes 0.00001.
gnomAD v4.1: 13 of 1,614,134 alleles (0.00081%); highest among the groups gnomAD compares: East Asian, 0.0022%; no homozygotes.

Submissions (2):

Revvity Omics, Revvity
Classification: Uncertain significance. Last evaluated: 2023-10-23. Review status: criteria provided, single submitter. Criteria: ACMG Guidelines, 2015. Collection method: clinical testing. Allele origin: germline.

Labcorp Genetics (formerly Invitae), Labcorp
Classification: Uncertain significance for Neuromuscular disease caused by qualitative or quantitative defects of dysferlin. Last evaluated: 2021-08-24. Review status: criteria provided, single submitter. Criteria: Invitae Variant Classification Sherloc (09022015). Collection method: clinical testing. Allele origin: germline.
Comment: This sequence change replaces arginine with cysteine at codon 462 of the DYSF protein (p.Arg462Cys). The arginine residue is moderately conserved and there is a large physicochemical difference between arginine and cysteine. This variant is not present in population databases (ExAC no frequency). This variant has not been reported in the literature in individuals affected with DYSF-related conditions. Advanced modeling of protein sequence and biophysical properties (such as structural, functional, and spatial information, amino acid conservation, physicochemical variation, residue mobility, and thermodynamic stability) performed at Invitae indicates that this missense variant is not expected to disrupt DYSF protein function. In summary, the available evidence is currently insufficient to determine the role of this variant in disease. Therefore, it has been classified as a Variant of Uncertain Significance.

NM_001130987.2(DYSF):c.1480C>T (p.Arg494Cys)

Gene: DYSF (dysferlin; plus strand). Cytogenetic location: 2p13.2.
Variant type: single nucleotide variant.
Coding change: c.1480C>T on transcript NM_001130987.2 (MANE Select); coding-DNA position 1480, C replaced by T.
Protein change: p.Arg494Cys; replaces arginine 494 with cysteine.
Molecular consequence: missense variant.
Genome position (GRCh38, 1-based): chr2:71,535,298, C>T. VCF-style: chr2-71535298-C-T. GRCh37 (hg19) VCF-style: chr2-71762428-C-T.
Other names: c.1387C>T, p.Arg463Cys (NM_001130455.2, NM_001130983.2, NM_001130984.2 and 1 more transcripts); c.1384C>T, p.Arg462Cys (NM_001130976.2, NM_001130977.2, NM_001130978.2 and 1 more transcripts); c.1477C>T, p.Arg493Cys (NM_001130979.2, NM_001130980.2, NM_001130981.2); c.1480C>T, p.Arg494Cys (NM_001130982.2, NM_001130985.2); short protein forms R463C, R493C, R494C, R462C.
Identifiers: ClinVar variation 1369890 (VCV001369890.6), dbSNP rs1192937487, ClinGen allele CA347215811.